The following is an entry in ClinVar:

ClinVar aggregate classification (germline): Uncertain significance. Review status: criteria provided, multiple submitters, no conflicts (2 of 4 stars). 2 submissions from 2 submitters: Uncertain significance (2). Last evaluated 2026-06-14.

Conditions:
POLD1-related polyposis and colorectal cancer syndrome (CRCS10). Also called: Colorectal cancer 10; Colorectal cancer, susceptibility to, 10; COLORECTAL CANCER, SUSCEPTIBILITY TO, ON CHROMOSOME 19q. Identifiers: Orphanet 220460, MedGen C2675481, MONDO:0012953, OMIM 612591.
Hereditary cancer-predisposing syndrome. Also called: Tumor predisposition; Hereditary Cancer Syndrome; Hereditary neoplastic syndrome; Neoplastic Syndromes, Hereditary. Identifiers: Orphanet 140162, MedGen C0027672, MeSH D009386, MONDO:0015356.

Submissions (2):

Ambry Genetics
Classification: Uncertain significance for Hereditary cancer-predisposing syndrome. Last evaluated: 2026-06-14. Review status: criteria provided, single submitter. Criteria: Ambry Variant Classification Scheme 2023. Collection method: clinical testing. Allele origin: germline.
Comment: The p.R823P variant (also known as c.2468G>C), located in coding exon 19 of the POLD1 gene, results from a G to C substitution at nucleotide position 2468. The arginine at codon 823 is replaced by proline, an amino acid with dissimilar properties. This amino acid position is conserved. In addition, this alteration is predicted to be tolerated by in silico analysis. Based on the available evidence, the clinical significance of this variant remains unclear.

Labcorp Genetics (formerly Invitae), Labcorp
Classification: Uncertain significance for POLD1-related polyposis and colorectal cancer syndrome. Last evaluated: 2023-11-20. Review status: criteria provided, single submitter. Criteria: Invitae Variant Classification Sherloc (09022015). Collection method: clinical testing. Allele origin: germline.
Comment: This sequence change replaces arginine, which is basic and polar, with proline, which is neutral and non-polar, at codon 823 of the POLD1 protein (p.Arg823Pro). This variant is not present in population databases (gnomAD no frequency). This variant has not been reported in the literature in individuals affected with POLD1-related conditions. Advanced modeling of protein sequence and biophysical properties (such as structural, functional, and spatial information, amino acid conservation, physicochemical variation, residue mobility, and thermodynamic stability) performed at Invitae indicates that this missense variant is not expected to disrupt POLD1 protein function with a negative predictive value of 80%. In summary, the available evidence is currently insufficient to determine the role of this variant in disease. Therefore, it has been classified as a Variant of Uncertain Significance.

NM_002691.4(POLD1):c.2468G>C (p.Arg823Pro)

Gene: POLD1 (DNA polymerase delta 1, catalytic subunit; plus strand). Cytogenetic location: 19q13.33.
Variant type: single nucleotide variant.
Coding change: c.2468G>C on transcript NM_002691.4 (MANE Select); coding-DNA position 2468, G replaced by C.
Protein change: p.Arg823Pro; replaces arginine 823 with proline.
Molecular consequence: missense variant. On other transcripts: non-coding transcript variant (1).
Genome position (GRCh38, 1-based): chr19:50,414,894, G>C. VCF-style: chr19-50414894-G-C. GRCh37 (hg19) VCF-style: chr19-50918151-G-C.
Other names: c.2468G>C, p.Arg823Pro (NM_001256849.1); c.2546G>C, p.Arg849Pro (NM_001308632.1); c.2468G>C (NM_002691.2); short protein forms R823P, R849P.
Identifiers: ClinVar variation 2697552 (VCV002697552.4), dbSNP rs771734704, ClinGen allele CA406984841.